The following is an entry in ClinVar:

NM_022168.4(IFIH1):c.2616G>C (p.Lys872Asn)

Gene: IFIH1 (interferon induced with helicase C domain 1; minus strand). Cytogenetic location: 2q24.2.
Variant type: single nucleotide variant.
Coding change: c.2616G>C on transcript NM_022168.4 (MANE Select); coding-DNA position 2616, G replaced by C.
Protein change: p.Lys872Asn; replaces lysine 872 with asparagine.
Molecular consequence: missense variant.
Genome position (GRCh38, 1-based): chr2:162,272,226, C>G on the plus strand (G>C on the coding strand, the complement: IFIH1 is on the minus strand). VCF-style: chr2-162272226-C-G. GRCh37 (hg19) VCF-style: chr2-163128736-C-G.
Other names: short protein forms K872N.
Identifiers: ClinVar variation 2941238 (VCV002941238.3), dbSNP rs2468952158, ClinGen allele CA348993782.

ClinVar aggregate classification (germline): Uncertain significance (1 of 4 stars; one submission).

Conditions:
Aicardi-Goutieres syndrome 7 (AGS7). Identifiers: Orphanet 51, MedGen C3888244, MONDO:0014367, OMIM 615846.
Singleton-Merten syndrome 1 (SGMRT1). Also called: Widened medullary cavities of bone, aortic calcification, abnormal dentition, and muscular weakness; Syndrome of widened medullary cavities of the metacarpals and phalanges, aortic calcification and abnormal dentition. Identifiers: Orphanet 85191, MedGen C4225427, MONDO:0024535, OMIM 182250.

Submission:

Labcorp Genetics (formerly Invitae), Labcorp
Classification: Uncertain significance for Aicardi-Goutieres syndrome 7; Singleton-Merten syndrome 1. Last evaluated: 2023-01-30. Review status: criteria provided, single submitter. Criteria: Invitae Variant Classification Sherloc (09022015). Collection method: clinical testing. Allele origin: germline.
Comment: This sequence change replaces lysine, which is basic and polar, with asparagine, which is neutral and polar, at codon 872 of the IFIH1 protein (p.Lys872Asn). This variant also falls at the last nucleotide of exon 13, which is part of the consensus splice site for this exon. This variant is not present in population databases (gnomAD no frequency). This variant has not been reported in the literature in individuals affected with IFIH1-related conditions. Algorithms developed to predict the effect of missense changes on protein structure and function are either unavailable or do not agree on the potential impact of this missense change (SIFT: "Deleterious"; PolyPhen-2: "Possibly Damaging"; Align-GVGD: "Class C0"). Variants that disrupt the consensus splice site are a relatively common cause of aberrant splicing (PMID: 17576681, 9536098). Algorithms developed to predict the effect of sequence changes on RNA splicing suggest that this variant may disrupt the consensus splice site. In summary, the available evidence is currently insufficient to determine the role of this variant in disease. Therefore, it has been classified as a Variant of Uncertain Significance.

Literature cited by the submitters: PubMed 17576681; PubMed 9536098.